The following is an entry in ClinVar:

NC_000016.10:g.(89784965_89791402)_(89816657_?)del

Gene: FANCA (FA complementation group A; minus strand). Cytogenetic location: 16q24.3.
Variant type: Deletion.
Identifiers: ClinVar variation 974084 (VCV000974084.1).

ClinVar aggregate classification (germline): Pathogenic (0 of 4 stars; one submission).

Conditions:
Fanconi anemia complementation group A (FANCA). Also called: Fanconi anemia, group A; FANCA-Related Fanconi Anemia. Identifiers: Orphanet 84, MedGen C3469521, MONDO:0009215, OMIM 227650.

Submission:

Leiden Open Variation Database
Classification: Pathogenic for Fanconi anemia complementation group A. Last evaluated: 2020-02-28. Review status: no assertion criteria provided. Collection method: curation. Allele origin: germline. Affected: yes.
Comment: Curator: Arleen D. Auerbach. Submitter to LOVD: Arleen D. Auerbach.

Literature cited by the submitters: PubMed 25168418.